The following is an entry in ClinVar:

NM_000540.3(RYR1):c.4780C>G (p.Leu1594Val)

Gene: RYR1 (ryanodine receptor 1; plus strand). Cytogenetic location: 19q13.2.
Variant type: single nucleotide variant.
Coding change: c.4780C>G on transcript NM_000540.3 (MANE Select); coding-DNA position 4780, C replaced by G.
Protein change: p.Leu1594Val; replaces leucine 1594 with valine.
Molecular consequence: missense variant.
Genome position (GRCh38, 1-based): chr19:38,483,362, C>G. VCF-style: chr19-38483362-C-G. GRCh37 (hg19) VCF-style: chr19-38974002-C-G.
Other names: c.4780C>G, p.Leu1594Val (NM_001042723.2); short protein forms L1594V.
Identifiers: ClinVar variation 2887508 (VCV002887508.3), dbSNP rs1969111699, ClinGen allele CA405650416.

ClinVar aggregate classification (germline): Uncertain significance (1 of 4 stars; one submission).

Conditions:
RYR1-related disorder. Also called: RYR1-related condition; RYR1-related disorders. Identifiers: MedGen CN239331.

Submission:

Labcorp Genetics (formerly Invitae), Labcorp
Classification: Uncertain significance for RYR1-related disorder. Last evaluated: 2025-11-18. Review status: criteria provided, single submitter. Criteria: Invitae Variant Classification Sherloc (09022015). Collection method: clinical testing. Allele origin: germline.
Comment: This sequence change replaces leucine, which is neutral and non-polar, with valine, which is neutral and non-polar, at codon 1594 of the RYR1 protein (p.Leu1594Val). This variant is not present in population databases (gnomAD no frequency). This variant has not been reported in the literature in individuals affected with RYR1-related conditions. ClinVar contains an entry for this variant (Variation ID: 2887508). Invitae Evidence Modeling of protein sequence and biophysical properties (such as structural, functional, and spatial information, amino acid conservation, physicochemical variation, residue mobility, and thermodynamic stability) has been performed for this missense variant. However, the output from this modeling did not meet the statistical confidence thresholds required to predict the impact of this variant on RYR1 protein function. In summary, the available evidence is currently insufficient to determine the role of this variant in disease. Therefore, it has been classified as a Variant of Uncertain Significance.